The following is an entry in ClinVar:

ClinVar aggregate classification (germline): Uncertain significance. Review status: criteria provided, multiple submitters, no conflicts (2 of 4 stars). 4 submissions from 4 submitters: Uncertain significance (4). Last evaluated 2025-07-01.

Conditions:
TRPV4-related disorder. Also called: TRPV4-related disorders; TRPV4-related condition.
Charcot-Marie-Tooth disease axonal type 2C (HMSN2C). Also called: CHARCOT-MARIE-TOOTH DISEASE, AXONAL, AUTOSOMAL DOMINANT, TYPE 2C; Charcot-Marie-Tooth Neuropathy Type 2C; Charcot-Marie-Tooth Disease Type 2, TRPV4-Related (CMT2C). Identifiers: Orphanet 99937, MedGen C1853710, MONDO:0011633, OMIM 606071.

Allele frequency attached by ClinVar (database versions not stated): gnomAD exomes 0.00002; ExAC 0.00002; TOPMed 0.00001.
gnomAD v4.1: 15 of 1,613,970 alleles (0.00093%); highest among the groups gnomAD compares: East Asian, 0.0045%; no homozygotes.

Submissions (4):

PreventionGenetics, part of Exact Sciences
Classification: Uncertain significance for TRPV4-related condition. Last evaluated: 2025-07-01. Review status: criteria provided, single submitter. Criteria: ACMG Guidelines, 2015. Collection method: clinical testing. Allele origin: germline.
Comment: The TRPV4 c.743G>A variant is predicted to result in the amino acid substitution p.Arg248His. To our knowledge, this variant has not been reported in the literature. This variant is reported in 0.0062% of alleles in individuals of African descent in gnomAD. At this time, the clinical significance of this variant is uncertain due to the absence of conclusive functional and genetic evidence.

Labcorp Genetics (formerly Invitae), Labcorp
Classification: Uncertain significance for Charcot-Marie-Tooth disease axonal type 2C. Last evaluated: 2023-07-28. Review status: criteria provided, single submitter. Criteria: Invitae Variant Classification Sherloc (09022015). Collection method: clinical testing. Allele origin: germline.
Comment: This variant has not been reported in the literature in individuals affected with TRPV4-related conditions. ClinVar contains an entry for this variant (Variation ID: 586844). Advanced modeling of protein sequence and biophysical properties (such as structural, functional, and spatial information, amino acid conservation, physicochemical variation, residue mobility, and thermodynamic stability) has been performed at Invitae for this missense variant, however the output from this modeling did not meet the statistical confidence thresholds required to predict the impact of this variant on TRPV4 protein function. In summary, the available evidence is currently insufficient to determine the role of this variant in disease. Therefore, it has been classified as a Variant of Uncertain Significance. This sequence change replaces arginine, which is basic and polar, with histidine, which is basic and polar, at codon 248 of the TRPV4 protein (p.Arg248His). This variant is present in population databases (rs759859968, gnomAD 0.007%).

GeneDx
Classification: Uncertain significance. Last evaluated: 2023-06-05. Review status: criteria provided, single submitter. Criteria: GeneDx Variant Classification Process June 2021. Collection method: clinical testing. Allele origin: germline. Affected: yes.
Comment: In silico analysis supports that this missense variant has a deleterious effect on protein structure/function; Has not been previously published as pathogenic or benign to our knowledge

Athena Diagnostics
Classification: Uncertain significance. Last evaluated: 2017-10-26. Review status: criteria provided, single submitter. Criteria: Athena Diagnostics Criteria. Collection method: clinical testing. Allele origin: germline.

NM_021625.5(TRPV4):c.743G>A (p.Arg248His)

Gene: TRPV4 (transient receptor potential cation channel subfamily V member 4; minus strand). Cytogenetic location: 12q24.11.
Variant type: single nucleotide variant.
Coding change: c.743G>A on transcript NM_021625.5 (MANE Select); coding-DNA position 743, G replaced by A.
Protein change: p.Arg248His; replaces arginine 248 with histidine.
Molecular consequence: missense variant. On other transcripts: intron variant (2).
Genome position (GRCh38, 1-based): chr12:109,800,728, C>T on the plus strand (G>A on the coding strand, the complement: TRPV4 is on the minus strand). VCF-style: chr12-109800728-C-T. GRCh37 (hg19) VCF-style: chr12-110238533-C-T.
Other names: c.641G>A, p.Arg214His (NM_001177431.2); c.743G>A, p.Arg248His (NM_147204.3); c.713-1816G>A (NM_001177433.1, NM_001177428.1); short protein forms R248H, R214H.
Identifiers: ClinVar variation 586844 (VCV000586844.7), dbSNP rs759859968, ClinGen allele CA6780434.
Genomic context (GRCh38, chr12:109,800,728, plus strand): 5'-GCCTGGGCGTGGACATCAGCTCCCTGGGCCACGAGAAGTTCCACGTAGTGTTTGCAGCGA[C>T]GCTCAATGGCGATGTGCAGGGCTGTCTGACCTGGGGGCAGGGGACGGTCATCCAGGGTCC-3'
Protein context (NP_067638.3, residues 238-258): GQTALHIAIE[Arg248His]RCKHYVELLV